The following is an entry in ClinVar:

NM_182914.3(SYNE2):c.6253G>A (p.Glu2085Lys)

Gene: SYNE2 (spectrin repeat containing nuclear envelope protein 2; plus strand). Cytogenetic location: 14q23.2.
Variant type: single nucleotide variant.
Coding change: c.6253G>A on transcript NM_182914.3 (MANE Select); coding-DNA position 6253, G replaced by A.
Protein change: p.Glu2085Lys; replaces glutamic acid 2085 with lysine.
Molecular consequence: missense variant.
Genome position (GRCh38, 1-based): chr14:64,026,579, G>A. VCF-style: chr14-64026579-G-A. GRCh37 (hg19) VCF-style: chr14-64493297-G-A.
Other names: c.6253G>A, p.Glu2085Lys (NM_015180.6); short protein forms E2085K.
Identifiers: ClinVar variation 2251854 (VCV002251854.3), dbSNP rs189906628, ClinGen allele CA7220661.

ClinVar aggregate classification (germline): Uncertain significance. Review status: criteria provided, multiple submitters, no conflicts (2 of 4 stars). 2 submissions from 2 submitters: Uncertain significance (2). Last evaluated 2025-04-20.

Conditions:
Emery-Dreifuss muscular dystrophy 5, autosomal dominant (EDMD5). Also called: EMERY-DREIFUSS MUSCULAR DYSTROPHY 5. Identifiers: Orphanet 261, MedGen C2751805, MONDO:0013072, OMIM 612999.

Allele frequency attached by ClinVar (database versions not stated): gnomAD exomes below 0.00001; ExAC 0.00002; TOPMed 0.00002; gnomAD 0.00003; 1000 Genomes Project 30x 0.00016; 1000 Genomes Project 0.00020.
gnomAD v4.1: 6 of 1,611,690 alleles (0.00037%); highest among the groups gnomAD compares: African/African-American, 0.0067%; no homozygotes.

Submissions (2):

Labcorp Genetics (formerly Invitae), Labcorp
Classification: Uncertain significance for Emery-Dreifuss muscular dystrophy 5, autosomal dominant. Last evaluated: 2025-04-20. Review status: criteria provided, single submitter. Criteria: Invitae Variant Classification Sherloc (09022015). Collection method: clinical testing. Allele origin: germline.
Comment: This sequence change replaces glutamic acid, which is acidic and polar, with lysine, which is basic and polar, at codon 2085 of the SYNE2 protein (p.Glu2085Lys). This variant is present in population databases (rs189906628, gnomAD 0.008%). This variant has not been reported in the literature in individuals affected with SYNE2-related conditions. ClinVar contains an entry for this variant (Variation ID: 2251854). An algorithm developed to predict the effect of missense changes on protein structure and function (PolyPhen-2) suggests that this variant is likely to be disruptive. In summary, the available evidence is currently insufficient to determine the role of this variant in disease. Therefore, it has been classified as a Variant of Uncertain Significance.

Ambry Genetics
Classification: Uncertain significance. Last evaluated: 2021-09-17. Review status: criteria provided, single submitter. Criteria: Ambry Variant Classification Scheme 2023. Collection method: clinical testing. Allele origin: germline.